The following is an entry in ClinVar:

ClinVar aggregate classification (germline): Uncertain significance (1 of 4 stars; one submission).

Allele frequency attached by ClinVar (database versions not stated): TOPMed below 0.00001.
gnomAD v4.1: 2 of 1,612,214 alleles (0.00012%); highest among the groups gnomAD compares: Non-Finnish European, 0.00017%; no homozygotes.

Submission:

Labcorp Genetics (formerly Invitae), Labcorp
Classification: Uncertain significance. Last evaluated: 2022-02-21. Review status: criteria provided, single submitter. Criteria: Invitae Variant Classification Sherloc (09022015). Collection method: clinical testing. Allele origin: germline.
Comment: This sequence change replaces valine, which is neutral and non-polar, with isoleucine, which is neutral and non-polar, at codon 46 of the MOCS2B protein (p.Val46Ile). This variant is present in population databases (no rsID available, gnomAD 0.007%). This variant has not been reported in the literature in individuals affected with MOCS2B-related conditions. Algorithms developed to predict the effect of missense changes on protein structure and function output the following: SIFT: "Tolerated"; PolyPhen-2: "Benign"; Align-GVGD: "Class C0". The isoleucine amino acid residue is found in multiple mammalian species, which suggests that this missense change does not adversely affect protein function. In summary, the available evidence is currently insufficient to determine the role of this variant in disease. Therefore, it has been classified as a Variant of Uncertain Significance.

NM_004531.5(MOCS2):c.136G>A (p.Val46Ile)

Gene: MOCS2 (molybdenum cofactor synthesis 2; minus strand). Cytogenetic location: 5q11.2.
Variant type: single nucleotide variant.
Coding change: c.136G>A on transcript NM_004531.5 (MANE Select); coding-DNA position 136, G replaced by A.
Protein change: p.Val46Ile; replaces valine 46 with isoleucine.
Molecular consequence: missense variant. On other transcripts: 3 prime UTR variant (1).
Genome position (GRCh38, 1-based): chr5:53,102,187, C>T on the plus strand (G>A on the coding strand, the complement: MOCS2 is on the minus strand). VCF-style: chr5-53102187-C-T. GRCh37 (hg19) VCF-style: chr5-52398017-C-T.
Other names: c.*56G>A (NM_176806.4); c.136G>A, p.Val46Ile (NM_183418.1); short protein forms V46I.
Identifiers: ClinVar variation 1921923 (VCV001921923.5), dbSNP rs1475269175, ClinGen allele CA359693515.